The following is an entry in ClinVar:

NM_001243133.2(NLRP3):c.113C>G (p.Pro38Arg)

Gene: NLRP3 (NLR family pyrin domain containing 3; plus strand). Cytogenetic location: 1q44.
Variant type: single nucleotide variant.
Coding change: c.113C>G on transcript NM_001243133.2 (MANE Select); coding-DNA position 113, C replaced by G.
Protein change: p.Pro38Arg; replaces proline 38 with arginine.
Molecular consequence: missense variant.
Genome position (GRCh38, 1-based): chr1:247,418,913, C>G. VCF-style: chr1-247418913-C-G. GRCh37 (hg19) VCF-style: chr1-247582215-C-G.
Other names: c.113C>G, p.Pro38Arg (NM_001079821.3, NM_001127461.3, NM_001127462.3 and 1 more transcripts); c.119C>G, p.Pro40Arg (NM_004895.5); short protein forms P38R, P40R.
Identifiers: ClinVar variation 1714203 (VCV001714203.5), dbSNP rs2527204575, ClinGen allele CA345552311.

ClinVar aggregate classification (germline): Uncertain significance (1 of 4 stars; one submission).

Conditions:
Cryopyrin associated periodic syndrome (CAPS). Identifiers: Orphanet 208650, MedGen C2316212, MONDO:0016168.

Submission:

Labcorp Genetics (formerly Invitae), Labcorp
Classification: Uncertain significance for Cryopyrin associated periodic syndrome. Last evaluated: 2022-07-15. Review status: criteria provided, single submitter. Criteria: Invitae Variant Classification Sherloc (09022015). Collection method: clinical testing. Allele origin: germline.
Comment: Algorithms developed to predict the effect of missense changes on protein structure and function output the following: SIFT: "Tolerated"; PolyPhen-2: "Benign"; Align-GVGD: "Class C0". The arginine amino acid residue is found in multiple mammalian species, which suggests that this missense change does not adversely affect protein function. In summary, the available evidence is currently insufficient to determine the role of this variant in disease. Therefore, it has been classified as a Variant of Uncertain Significance. This variant has not been reported in the literature in individuals affected with NLRP3-related conditions. This sequence change replaces proline, which is neutral and non-polar, with arginine, which is basic and polar, at codon 40 of the NLRP3 protein (p.Pro40Arg). This variant is not present in population databases (gnomAD no frequency).